The following is an entry in ClinVar:

NM_000492.4(CFTR):c.4430A>T (p.Asp1477Val)

Genes: CFTR (CF transmembrane conductance regulator; plus strand), LOC111674477 (CFTR intron 23 enhancer; plus strand). Cytogenetic location: 7q31.2.
Variant type: single nucleotide variant.
Coding change: c.4430A>T on transcript NM_000492.4 (MANE Select); coding-DNA position 4430, A replaced by T.
Protein change: p.Asp1477Val; replaces aspartic acid 1477 with valine.
Molecular consequence: missense variant.
Genome position (GRCh38, 1-based): chr7:117,667,095, A>T. VCF-style: chr7-117667095-A-T. GRCh37 (hg19) VCF-style: chr7-117307149-A-T.
Other names: short protein forms D1477V.
Identifiers: ClinVar variation 1740551 (VCV001740551.3), dbSNP rs2485186016, ClinGen allele CA368985402.

ClinVar aggregate classification (germline): Uncertain significance. Review status: criteria provided, multiple submitters, no conflicts (2 of 4 stars). 2 submissions from 2 submitters: Uncertain significance (2). Last evaluated 2025-04-27.

Conditions:
Cystic fibrosis (CF). Also called: MUCOVISCIDOSIS. Identifiers: Orphanet 586, MedGen C0010674, MONDO:0009061, OMIM 219700. Disease mechanism: loss of function.

Allele frequency attached by ClinVar (database versions not stated): gnomAD exomes 0.00001.
gnomAD v4.1: 6 of 1,613,954 alleles (0.00037%); highest among the groups gnomAD compares: Non-Finnish European, 0.00051%; no homozygotes.

Submissions (2):

Labcorp Genetics (formerly Invitae), Labcorp
Classification: Uncertain significance for Cystic fibrosis. Last evaluated: 2025-04-27. Review status: criteria provided, single submitter. Criteria: Invitae Variant Classification Sherloc (09022015). Collection method: clinical testing. Allele origin: germline.
Comment: This sequence change replaces aspartic acid, which is acidic and polar, with valine, which is neutral and non-polar, at codon 1477 of the CFTR protein (p.Asp1477Val). This variant is not present in population databases (gnomAD no frequency). This variant has not been reported in the literature in individuals affected with CFTR-related conditions. ClinVar contains an entry for this variant (Variation ID: 1740551). Invitae Evidence Modeling of protein sequence and biophysical properties (such as structural, functional, and spatial information, amino acid conservation, physicochemical variation, residue mobility, and thermodynamic stability) indicates that this missense variant is expected to disrupt CFTR protein function with a positive predictive value of 95%. In summary, the available evidence is currently insufficient to determine the role of this variant in disease. Therefore, it has been classified as a Variant of Uncertain Significance.

Ambry Genetics
Classification: Uncertain significance for Cystic fibrosis. Last evaluated: 2022-05-09. Review status: criteria provided, single submitter. Criteria: Ambry Variant Classification Scheme 2023. Collection method: clinical testing. Allele origin: germline.
Comment: The p.D1477V variant (also known as c.4430A>T), located in coding exon 27 of the CFTR gene, results from an A to T substitution at nucleotide position 4430. The aspartic acid at codon 1477 is replaced by valine, an amino acid with highly dissimilar properties. This amino acid position is conserved. In addition, the in silico prediction for this alteration is inconclusive. Since supporting evidence is limited at this time, the clinical significance of this alteration remains unclear.